The following is an entry in ClinVar:

NM_001369268.1(ACAN):c.7197C>T (p.Pro2399=)

Gene: ACAN (aggrecan; plus strand). Cytogenetic location: 15q26.1.
Variant type: single nucleotide variant.
Coding change: c.7197C>T on transcript NM_001369268.1 (MANE Select); coding-DNA position 7197, C replaced by T.
Protein change: p.Pro2399=; no amino-acid change (proline 2399 retained).
Molecular consequence: synonymous variant.
Genome position (GRCh38, 1-based): chr15:88,871,518, C>T. VCF-style: chr15-88871518-C-T. GRCh37 (hg19) VCF-style: chr15-89414749-C-T.
Other names: c.6969C>T, p.Pro2323= (NM_001135.4); c.7083C>T, p.Pro2361= (NM_013227.4).
Identifiers: ClinVar variation 1205903 (VCV001205903.26), dbSNP rs35446117, ClinGen allele CA7720589.

ClinVar aggregate classification (germline): Benign. Review status: criteria provided, multiple submitters, no conflicts (2 of 4 stars). 6 submissions from 6 submitters: Benign (4). 2 of the submissions do not count toward it. Last evaluated 2026-06-01.

Allele frequency attached by ClinVar (database versions not stated): 1000 Genomes Project 0.00679; 1000 Genomes Project 30x 0.00718; ESP Exome Variant Server 0.01099.
gnomAD v4.1: 20,255 of 1,613,284 alleles (1.3%); highest among the groups gnomAD compares: Non-Finnish European, 1.4%; 194 homozygotes.

Submissions (6):

CeGaT Center for Human Genetics Tuebingen
Classification: Benign. Last evaluated: 2026-06-01. Review status: criteria provided, single submitter. Criteria: CeGaT Center For Human Genetics Tuebingen Variant Classification Criteria Version 2. Collection method: clinical testing. Allele origin: germline. Affected: yes. Observed: 8 variant alleles.
Comment: ACAN: BP4, BP7, BS1, BS2

Women's Health and Genetics/Laboratory Corporation of America, LabCorp
Classification: Benign. Last evaluated: 2026-05-15. Review status: criteria provided, single submitter. Criteria: LabCorp Variant Classification Summary - May 2015. Collection method: clinical testing. Allele origin: germline.

Labcorp Genetics (formerly Invitae), Labcorp
Classification: Benign. Last evaluated: 2026-02-01. Review status: criteria provided, single submitter. Criteria: Invitae Variant Classification Sherloc (09022015). Collection method: clinical testing. Allele origin: germline.

Breakthrough Genomics
Classification: Benign. Review status: criteria provided, single submitter. Criteria: ACMG Guidelines, 2015. Collection method: not provided. Allele origin: germline. Inheritance: Autosomal recessive inheritance. Affected: yes.

Joint Genome Diagnostic Labs from Nijmegen and Maastricht, Radboudumc and MUMC+
Classification: Benign. Review status: no assertion criteria provided. Collection method: clinical testing. Allele origin: germline. Affected: yes. Study: VKGL Data-share Consensus. Not counted in ClinVar's aggregate classification.

Laboratory of Diagnostic Genome Analysis, Leiden University Medical Center (LUMC)
Classification: Benign. Review status: no assertion criteria provided. Collection method: clinical testing. Allele origin: germline. Affected: yes. Study: VKGL Data-share Consensus. Not counted in ClinVar's aggregate classification.